The following is an entry in ClinVar:

NM_006734.4(HIVEP2):c.6829G>A (p.Val2277Met)

Gene: HIVEP2 (HIVEP zinc finger 2; minus strand). Cytogenetic location: 6q24.2.
Variant type: single nucleotide variant.
Coding change: c.6829G>A on transcript NM_006734.4 (MANE Select); coding-DNA position 6829, G replaced by A.
Protein change: p.Val2277Met; replaces valine 2277 with methionine.
Molecular consequence: missense variant.
Genome position (GRCh38, 1-based): chr6:142,753,619, C>T on the plus strand (G>A on the coding strand, the complement: HIVEP2 is on the minus strand). VCF-style: chr6-142753619-C-T. GRCh37 (hg19) VCF-style: chr6-143074756-C-T.
Other names: c.6829G>A (NM_006734.3); short protein forms V2277M.
Identifiers: ClinVar variation 2787093 (VCV002787093.4), dbSNP rs762338545, ClinGen allele CA4027623.

ClinVar aggregate classification (germline): Uncertain significance. Review status: criteria provided, multiple submitters, no conflicts (2 of 4 stars). 2 submissions from 2 submitters: Uncertain significance (2). Last evaluated 2025-06-06.

Conditions:
Inborn genetic diseases. Identifiers: MedGen C0950123, MeSH D030342.

Allele frequency attached by ClinVar (database versions not stated): ExAC 0.00001.

Submissions (2):

Ambry Genetics
Classification: Uncertain significance for Inborn genetic diseases. Last evaluated: 2025-06-06. Review status: criteria provided, single submitter. Criteria: Ambry Variant Classification Scheme 2023. Collection method: clinical testing. Allele origin: germline.

Labcorp Genetics (formerly Invitae), Labcorp
Classification: Uncertain significance. Last evaluated: 2024-02-26. Review status: criteria provided, single submitter. Criteria: Invitae Variant Classification Sherloc (09022015). Collection method: clinical testing. Allele origin: germline.
Comment: This sequence change replaces valine, which is neutral and non-polar, with methionine, which is neutral and non-polar, at codon 2277 of the HIVEP2 protein (p.Val2277Met). This variant is present in population databases (rs762338545, gnomAD 0.0009%). This variant has not been reported in the literature in individuals affected with HIVEP2-related conditions. Algorithms developed to predict the effect of missense changes on protein structure and function output the following: SIFT: "Not Available"; PolyPhen-2: "Benign"; Align-GVGD: "Not Available". The methionine amino acid residue is found in multiple mammalian species, which suggests that this missense change does not adversely affect protein function. In summary, the available evidence is currently insufficient to determine the role of this variant in disease. Therefore, it has been classified as a Variant of Uncertain Significance.